The following is an entry in ClinVar:

NM_002872.5(RAC2):c.559C>T (p.Arg187Cys)

Gene: RAC2 (Rac family small GTPase 2; minus strand). Cytogenetic location: 22q13.1.
Variant type: single nucleotide variant.
Coding change: c.559C>T on transcript NM_002872.5 (MANE Select); coding-DNA position 559, C replaced by T.
Protein change: p.Arg187Cys; replaces arginine 187 with cysteine.
Molecular consequence: missense variant.
Genome position (GRCh38, 1-based): chr22:37,226,693, G>A on the plus strand (C>T on the coding strand, the complement: RAC2 is on the minus strand). VCF-style: chr22-37226693-G-A. GRCh37 (hg19) VCF-style: chr22-37622733-G-A.
Other names: short protein forms R187C.
Identifiers: ClinVar variation 1364327 (VCV001364327.6), dbSNP rs2145819256, ClinGen allele CA411441694.
Genomic context (GRCh38, chr22:37,226,693, plus strand): 5'-GTGTATGGGAGTTGGGCACTAGAGTGGGGGACTCTTACCCCTAGAGGAGGCTGCAGGCGC[G>A]CTTCTGCTGCCGCGTGGGCTGAGGGCACAGCACGGCCCGGATGGCCTCGTCGAACACGGT-3'
Protein context (NP_002863.1, residues 177-192): LCPQPTRQQK[Arg187Cys]ACSLL

ClinVar aggregate classification (germline): Uncertain significance (1 of 4 stars; one submission).

Conditions:
Neutrophil immunodeficiency syndrome. Also called: Immunodeficiency 73A with defective neutrophil chemotaxis and leukocytosis. Identifiers: Orphanet 183707, MedGen C1842398, MONDO:0011988, OMIM 608203.

Allele frequency attached by ClinVar (database versions not stated): gnomAD exomes below 0.00001.
gnomAD v4.1: 2 of 1,612,940 alleles (0.00012%); highest among the groups gnomAD compares: African/African-American, 0.0013%; no homozygotes.

Submission:

Labcorp Genetics (formerly Invitae), Labcorp
Classification: Uncertain significance for Neutrophil immunodeficiency syndrome. Last evaluated: 2023-11-16. Review status: criteria provided, single submitter. Criteria: Invitae Variant Classification Sherloc (09022015). Collection method: clinical testing. Allele origin: germline.
Comment: This sequence change replaces arginine, which is basic and polar, with cysteine, which is neutral and slightly polar, at codon 187 of the RAC2 protein (p.Arg187Cys). This variant is not present in population databases (gnomAD no frequency). This variant has not been reported in the literature in individuals affected with RAC2-related conditions. ClinVar contains an entry for this variant (Variation ID: 1364327). Advanced modeling of protein sequence and biophysical properties (such as structural, functional, and spatial information, amino acid conservation, physicochemical variation, residue mobility, and thermodynamic stability) performed at Invitae indicates that this missense variant is not expected to disrupt RAC2 protein function with a negative predictive value of 95%. In summary, the available evidence is currently insufficient to determine the role of this variant in disease. Therefore, it has been classified as a Variant of Uncertain Significance.